The following is an entry in ClinVar:

NM_005228.5(EGFR):c.2926C>T (p.Gln976Ter)

Gene: EGFR (epidermal growth factor receptor; plus strand). Cytogenetic location: 7p11.2.
Variant type: single nucleotide variant.
Coding change: c.2926C>T on transcript NM_005228.5 (MANE Select); coding-DNA position 2926, C replaced by T.
Protein change: p.Gln976Ter; replaces glutamine 976 with a stop codon.
Molecular consequence: nonsense.
Genome position (GRCh38, 1-based): chr7:55,200,393, C>T. VCF-style: chr7-55200393-C-T. GRCh37 (hg19) VCF-style: chr7-55268086-C-T.
Other names: c.2791C>T, p.Gln931Ter (NM_001346897.2, NM_001346899.2); c.2926C>T, p.Gln976Ter (NM_001346898.2); c.2767C>T, p.Gln923Ter (NM_001346900.2); c.2125C>T, p.Gln709Ter (NM_001346941.2); short protein forms Q709*, Q923*, Q931*, Q976*.
Identifiers: ClinVar variation 4870291 (VCV004870291.1).

ClinVar aggregate classification (germline): Uncertain significance (1 of 4 stars; one submission).

Conditions:
Hereditary cancer-predisposing syndrome. Also called: Neoplastic Syndromes, Hereditary; Tumor predisposition; Hereditary Cancer Syndrome; Hereditary neoplastic syndrome. Identifiers: Orphanet 140162, MedGen C0027672, MeSH D009386, MONDO:0015356.

Submission:

Ambry Genetics
Classification: Uncertain significance for Hereditary cancer-predisposing syndrome. Last evaluated: 2026-06-09. Review status: criteria provided, single submitter. Criteria: Ambry Variant Classification Scheme 2023. Collection method: clinical testing. Allele origin: germline.
Comment: The p.Q976* variant (also known as c.2926C>T), located in coding exon 24 of the EGFR gene, results from a C to T substitution at nucleotide position 2926. This changes the amino acid from a glutamine to a stop codon within coding exon 24. This alteration is expected to result in loss of function by premature protein truncation or nonsense-mediated mRNA decay. Although biallelic loss of function of EGFR are known to cause EGFR-related neonatal inflammatory skin and bowel disease, such associations with EGFR-related lung cancer have not been reported. Based on the supporting evidence, this variant is expected to be causative of EGFR-related neonatal inflammatory skin and bowel disease when present along with a second pathogenic variant on the other allele; however, its clinical significance for EGFR-related lung cancer is unclear.